The following is an entry in ClinVar:

NM_000212.3(ITGB3):c.2301+5G>A

Genes: EFCAB13-DT (EFCAB13 divergent transcript; minus strand), ITGB3 (integrin subunit beta 3; plus strand). Cytogenetic location: 17q21.32.
Variant type: single nucleotide variant.
Coding change: c.2301+5G>A on transcript NM_000212.3 (MANE Select); 5 bases into the intron after coding-DNA position 2301, G replaced by A.
Molecular consequence: intron variant.
Genome position (GRCh38, 1-based): chr17:47,307,642, G>A. VCF-style: chr17-47307642-G-A. GRCh37 (hg19) VCF-style: chr17-45385008-G-A.
Identifiers: ClinVar variation 2582206 (VCV002582206.2), dbSNP rs2547623844, ClinGen allele CA2582342191.
Genomic context (GRCh38, chr17:47,307,642, plus strand): 5'-ACCGAAAAGAATTCGCTAAATTTGAGGAAGAACGCGCCAGAGCAAAATGGGACACAGTAA[G>A]AGACGGGGCTGGGCGTTTTCTAAAGTCATTGGTCTGAGACTCTTAAGTGGAAGCAGCAGA-3'

ClinVar aggregate classification (germline): Conflicting classifications of pathogenicity. Review status: criteria provided, conflicting classifications (1 of 4 stars). 2 submissions from 2 submitters: Likely pathogenic (1); Uncertain significance (1). Last evaluated 2024-10-04.

Conditions:
Glanzmann thrombasthenia 2. Also called: BLEEDING DISORDER, PLATELET-TYPE, 23. Identifiers: MedGen C5543273, MONDO:0031009, OMIM 619267.

Allele frequency attached by ClinVar (database versions not stated): gnomAD exomes below 0.00001.
gnomAD v4.1: 1 of 1,614,138 alleles (0.000062%); highest among the groups gnomAD compares: South Asian, 0.0011%; no homozygotes.

Submissions (2):

Dubai Health Genomic Medicine Center, Dubai Health
Classification: Likely pathogenic for Glanzmann thrombasthenia 2. Last evaluated: 2024-10-04. Review status: criteria provided, single submitter. Criteria: ACMG Guidelines, 2015. Collection method: research. Allele origin: germline. Affected: yes.
Comment: PM2,PP4,PP3

GeneDx
Classification: Uncertain significance. Last evaluated: 2023-03-31. Review status: criteria provided, single submitter. Criteria: GeneDx Variant Classification Process June 2021. Collection method: clinical testing. Allele origin: germline. Affected: yes.
Comment: Not observed at significant frequency in large population cohorts (gnomAD); Has not been previously published as pathogenic or benign to our knowledge; In silico analysis is inconclusive as to whether the variant alters gene splicing. In the absence of RNA/functional studies, the actual effect of this sequence change is unknown.